The following is an entry in ClinVar:

ClinVar aggregate classification (germline): Uncertain significance. Review status: criteria provided, multiple submitters, no conflicts (2 of 4 stars). 2 submissions from 2 submitters: Uncertain significance (2). Last evaluated 2025-04-03.

Conditions:
Inborn genetic diseases. Identifiers: MedGen C0950123, MeSH D030342.

Allele frequency attached by ClinVar (database versions not stated): gnomAD 0.00001 and 0.00003; ExAC 0.00002; gnomAD exomes 0.00003; TOPMed 0.00003.
gnomAD v4.1: 32 of 1,614,060 alleles (0.002%); highest among the groups gnomAD compares: South Asian, 0.023%; no homozygotes.

Submissions (2):

Ambry Genetics
Classification: Uncertain significance for Inborn genetic diseases. Last evaluated: 2025-04-03. Review status: criteria provided, single submitter. Criteria: Ambry Variant Classification Scheme 2023. Collection method: clinical testing. Allele origin: germline.

Labcorp Genetics (formerly Invitae), Labcorp
Classification: Uncertain significance. Last evaluated: 2022-01-14. Review status: criteria provided, single submitter. Criteria: Invitae Variant Classification Sherloc (09022015). Collection method: clinical testing. Allele origin: germline.
Comment: Algorithms developed to predict the effect of missense changes on protein structure and function are either unavailable or do not agree on the potential impact of this missense change (SIFT: "Tolerated"; PolyPhen-2: "Probably Damaging"; Align-GVGD: "Class C0"). This variant has not been reported in the literature in individuals affected with C2CD3-related conditions. This variant is present in population databases (rs768909968, gnomAD 0.02%). This sequence change replaces arginine, which is basic and polar, with glutamine, which is neutral and polar, at codon 948 of the C2CD3 protein (p.Arg948Gln). In summary, the available evidence is currently insufficient to determine the role of this variant in disease. Therefore, it has been classified as a Variant of Uncertain Significance.

NM_001286577.2(C2CD3):c.2843G>A (p.Arg948Gln)

Gene: C2CD3 (C2 domain containing 3 centriole elongation regulator; minus strand). Cytogenetic location: 11q13.4.
Variant type: single nucleotide variant.
Coding change: c.2843G>A on transcript NM_001286577.2 (MANE Select); coding-DNA position 2843, G replaced by A.
Protein change: p.Arg948Gln; replaces arginine 948 with glutamine.
Molecular consequence: missense variant.
Genome position (GRCh38, 1-based): chr11:74,098,145, C>T on the plus strand (G>A on the coding strand, the complement: C2CD3 is on the minus strand). VCF-style: chr11-74098145-C-T. GRCh37 (hg19) VCF-style: chr11-73809190-C-T.
Other names: c.2843G>A (NM_015531.4); c.2843G>A, p.Arg948Gln (NM_015531.6); short protein forms R948Q.
Identifiers: ClinVar variation 1347228 (VCV001347228.9), dbSNP rs768909968, ClinGen allele CA6182533.
Genomic context (GRCh38, chr11:74,098,145, plus strand): 5'-TCATTCTTTAATCTTTGTAGTGCCATTATTTGATTTGAAGAACCCATAGCTAAAAAGACT[C>T]GAAGACTCCCATTTTGGTGGCCTGAAAACACATCAATCACAGGCATGTAGCTGTCGACAG-3'
Protein context (NP_001273506.1, residues 938-958): VFSGHQNGSL[Arg948Gln]VFLAMGSSNQ